The following is an entry in ClinVar:

ClinVar aggregate classification (germline): Uncertain significance. Review status: criteria provided, multiple submitters, no conflicts (2 of 4 stars). 2 submissions from 2 submitters: Uncertain significance (2). Last evaluated 2025-07-02.

gnomAD v4.1: 13 of 1,613,994 alleles (0.00081%); highest among the groups gnomAD compares: East Asian, 0.0022%; no homozygotes.

Submissions (2):

Labcorp Genetics (formerly Invitae), Labcorp
Classification: Uncertain significance. Last evaluated: 2025-07-02. Review status: criteria provided, single submitter. Criteria: Invitae Variant Classification Sherloc (09022015). Collection method: clinical testing. Allele origin: germline.
Comment: This sequence change replaces glycine, which is neutral and non-polar, with arginine, which is basic and polar, at codon 864 of the KL protein (p.Gly864Arg). This variant is present in population databases (no rsID available, gnomAD 0.003%). This variant has not been reported in the literature in individuals affected with KL-related conditions. ClinVar contains an entry for this variant (Variation ID: 3534748). Invitae Evidence Modeling of protein sequence and biophysical properties (such as structural, functional, and spatial information, amino acid conservation, physicochemical variation, residue mobility, and thermodynamic stability) indicates that this missense variant is not expected to disrupt KL protein function with a negative predictive value of 80%. In summary, the available evidence is currently insufficient to determine the role of this variant in disease. Therefore, it has been classified as a Variant of Uncertain Significance.

Ambry Genetics
Classification: Uncertain significance. Last evaluated: 2024-07-14. Review status: criteria provided, single submitter. Criteria: Ambry Variant Classification Scheme 2023. Collection method: clinical testing. Allele origin: germline.

NM_004795.4(KL):c.2590G>A (p.Gly864Arg)

Gene: KL (klotho; plus strand). Cytogenetic location: 13q13.1.
Variant type: single nucleotide variant.
Coding change: c.2590G>A on transcript NM_004795.4 (MANE Select); coding-DNA position 2590, G replaced by A.
Protein change: p.Gly864Arg; replaces glycine 864 with arginine.
Molecular consequence: missense variant.
Genome position (GRCh38, 1-based): chr13:33,061,669, G>A. VCF-style: chr13-33061669-G-A. GRCh37 (hg19) VCF-style: chr13-33635806-G-A.
Other names: short protein forms G864R.
Identifiers: ClinVar variation 3534748 (VCV003534748.2).